The following is an entry in ClinVar:

ClinVar aggregate classification (germline): Pathogenic/Likely pathogenic. Review status: criteria provided, multiple submitters, no conflicts (2 of 4 stars). 2 submissions from 2 submitters: Pathogenic (1); Likely pathogenic (1). Last evaluated 2025-12-29.

Conditions:
Hereditary spherocytosis type 1. Also called: Spherocytosis type 1; ANK1-Related Spherocytosis. Identifiers: Orphanet 822, MedGen C2674218, MONDO:0008447, OMIM 182900.

Submissions (2):

Center for Genomic Medicine, Rigshospitalet, Copenhagen University Hospital
Classification: Pathogenic. Last evaluated: 2025-12-29. Review status: criteria provided, single submitter. Criteria: ACMG Guidelines, 2015. Collection method: clinical testing. Allele origin: germline.
Comment: Classification criteria: PVS1, PM2_Supporting, PP4_Strong

Revvity Omics, Revvity
Classification: Likely pathogenic for Hereditary spherocytosis type 1. Last evaluated: 2022-06-13. Review status: criteria provided, single submitter. Criteria: ACMG Guidelines, 2015. Collection method: clinical testing. Allele origin: germline.

Literature cited by the submitters: PubMed 8640229 (cited by Center for Genomic Medicine, Rigshospitalet, Copenhagen University Hospital); PubMed 32436265 (cited by Center for Genomic Medicine, Rigshospitalet, Copenhagen University Hospital); PubMed 38103548 (cited by Center for Genomic Medicine, Rigshospitalet, Copenhagen University Hospital).

NM_000037.4(ANK1):c.1972C>T (p.Gln658Ter)

Gene: ANK1 (ankyrin 1; minus strand). Cytogenetic location: 8p11.21.
Variant type: single nucleotide variant.
Coding change: c.1972C>T on transcript NM_000037.4 (MANE Select); coding-DNA position 1972, C replaced by T.
Protein change: p.Gln658Ter; replaces glutamine 658 with a stop codon.
Molecular consequence: nonsense.
Genome position (GRCh38, 1-based): chr8:41,708,804, G>A on the plus strand (C>T on the coding strand, the complement: ANK1 is on the minus strand). VCF-style: chr8-41708804-G-A. GRCh37 (hg19) VCF-style: chr8-41566322-G-A.
Other names: c.2071C>T, p.Gln691Ter (NM_001142446.2); c.1972C>T, p.Gln658Ter (NM_020475.3, NM_020476.3, NM_020477.3); short protein forms Q658*, Q691*.
Identifiers: ClinVar variation 2433182 (VCV002433182.4), dbSNP rs767398317, ClinGen allele CA371067645.